The following is an entry in ClinVar:

ClinVar aggregate classification (germline): Pathogenic/Likely pathogenic. Review status: criteria provided, multiple submitters, no conflicts (2 of 4 stars). 2 submissions from 2 submitters: Pathogenic (1); Likely pathogenic (1). Last evaluated 2026-03-10.

Submissions (2):

GeneDx
Classification: Pathogenic. Last evaluated: 2026-03-10. Review status: criteria provided, single submitter. Criteria: GeneDx Variant Classification Process June 2021. Collection method: clinical testing. Allele origin: germline.
Comment: Nonsense variant predicted to result in protein truncation or nonsense mediated decay in a gene for which loss of function is a known mechanism of disease; Not observed at significant frequency in large population cohorts (gnomAD); Published functional studies suggest a damaging effect, although additional studies are needed (PMID: 34906501); This variant is associated with the following publications: (PMID: 34906501)

CeGaT Center for Human Genetics Tuebingen
Classification: Likely pathogenic. Last evaluated: 2023-08-01. Review status: criteria provided, single submitter. Criteria: CeGaT Center For Human Genetics Tuebingen Variant Classification Criteria Version 2. Collection method: clinical testing. Allele origin: germline. Affected: yes. Observed: 1 variant allele.
Comment: TAB2: PVS1:Strong, PM2, PS2:Moderate

NM_001292034.3(TAB2):c.1385dup (p.Tyr462Ter)

Genes: TAB2 (TGF-beta activated kinase 1 (MAP3K7) binding protein 2; plus strand), LOC126859827 (BRD4-independent group 4 enhancer GRCh37_chr6:149699707-149700906; plus strand). Cytogenetic location: 6q25.1.
Variant type: Duplication.
Coding change: c.1385dup on transcript NM_001292034.3 (MANE Select); coding-DNA position 1385, one base duplicated (A; older notation c.1385dupA).
Protein change: p.Tyr462Ter; replaces tyrosine 462 with a stop codon.
Molecular consequence: nonsense.
Genome position (GRCh38, 1-based): chr6:149,379,300, A duplicated. VCF-style (leftmost placement, unchanged base first): chr6-149379299-T-TA. GRCh37 (hg19) VCF-style: chr6-149700435-T-TA.
Other names: c.1289dup, p.Tyr430Ter (NM_001292035.3); c.1385dup, p.Tyr462Ter (NM_001369506.1, NM_015093.6); c.1385dup (NM_015093.4); short protein forms Y430*, Y462*.
Identifiers: ClinVar variation 2579008 (VCV002579008.26), dbSNP rs2483396825, ClinGen allele CA2580617878.